The following is an entry in ClinVar:

ClinVar aggregate classification (germline): Likely benign (0 of 4 stars; one submission).

Conditions:
FSIP2-related disorder. Also called: FSIP2-related condition.

Allele frequency attached by ClinVar (database versions not stated): 1000 Genomes Project 0.00439; 1000 Genomes Project 30x 0.00468; ExAC 0.00833; TOPMed 0.01122; gnomAD 0.01313; gnomAD exomes 0.01937.
gnomAD v4.1: 28,674 of 1,533,346 alleles (1.9%); highest among the groups gnomAD compares: Non-Finnish European, 2.2%; 344 homozygotes.

Submission:

PreventionGenetics, part of Exact Sciences
Classification: Likely benign for FSIP2-related condition. Last evaluated: 2019-02-22. Review status: no assertion criteria provided. Collection method: clinical testing. Allele origin: germline.
Comment: This variant is classified as likely benign based on ACMG/AMP sequence variant interpretation guidelines (Richards et al. 2015 PMID: 25741868, with internal and published modifications).

NM_173651.4(FSIP2):c.8698A>G (p.Lys2900Glu)

Genes: FSIP2 (fibrous sheath interacting protein 2; plus strand), FSIP2-AS1 (FSIP2 antisense RNA 1; minus strand). Cytogenetic location: 2q32.1.
Variant type: single nucleotide variant.
Coding change: c.8698A>G on transcript NM_173651.4 (MANE Select); coding-DNA position 8698, A replaced by G.
Protein change: p.Lys2900Glu; replaces lysine 2900 with glutamic acid.
Molecular consequence: missense variant.
Genome position (GRCh38, 1-based): chr2:185,795,834, A>G. VCF-style: chr2-185795834-A-G. GRCh37 (hg19) VCF-style: chr2-186660561-A-G.
Other names: short protein forms K2900E.
Identifiers: ClinVar variation 3056953 (VCV003056953.2), dbSNP rs182740901, ClinGen allele CA2016834.